The following is an entry in ClinVar:

ClinVar aggregate classification (germline): Benign. Review status: reviewed by expert panel (3 of 4 stars). 6 submissions from 6 submitters: Benign (1). 5 of the submissions do not count toward it. Last evaluated 2019-09-18.

Conditions:
Glanzmann thrombasthenia. Also called: THROMBASTHENIA OF GLANZMANN AND NAEGELI; Glanzmann's thrombasthenia; PLATELET GLYCOPROTEIN IIb-IIIa DEFICIENCY; Thrombasthenia. Identifiers: Orphanet 849, MedGen C0040015, MONDO:0100326.
ITGA2B-related disorder. Also called: ITGA2B-related disorders; ITGA2B-related condition.

Allele frequency attached by ClinVar (database versions not stated): gnomAD exomes 0.00050 and 0.00139; ExAC 0.00163; ESP Exome Variant Server 0.00438; 1000 Genomes Project 0.00479; gnomAD 0.00496 and 0.00531; 1000 Genomes Project 30x 0.00500; TOPMed 0.00606.
gnomAD v4.1: 1,524 of 1,613,950 alleles (0.094%); highest among the groups gnomAD compares: African/African-American, 1.6%; 11 homozygotes.

Submissions (6):

ClinGen Platelet Disorders Variant Curation Expert Panel, ClinGen
Classification: Benign for Glanzmann thrombasthenia. Last evaluated: 2019-09-18. Review status: reviewed by expert panel. Criteria: ClinGen Platelet ACMG Specifications v2. Collection method: curation. Allele origin: germline. Inheritance: Autosomal recessive inheritance.
Comment: The Lys709= synonymous variant occurs at an allele frequency in gnomAD of 0.001729 with a MAF of 0.01699 (424/24,960 alleles) in the African population. This is above the >0.0024 threshold. This variant meets criteria to be classified as Benign by the ClinGen Platelet Disorders VCEP. GT-specific criteria met: BA1.

Labcorp Genetics (formerly Invitae), Labcorp
Classification: Benign for Glanzmann thrombasthenia. Last evaluated: 2026-01-20. Review status: criteria provided, single submitter. Criteria: Invitae Variant Classification Sherloc (09022015). Collection method: clinical testing. Allele origin: germline. Not counted in ClinVar's aggregate classification.

Blueprint Genetics
Classification: Likely benign. Last evaluated: 2024-10-22. Review status: criteria provided, single submitter. Criteria: ACMG Guidelines, 2015. Collection method: clinical testing. Allele origin: germline. Not counted in ClinVar's aggregate classification.

Mayo Clinic Laboratories, Mayo Clinic
Classification: Benign. Last evaluated: 2023-10-26. Review status: criteria provided, single submitter. Criteria: ACMG Guidelines, 2015. Collection method: clinical testing. Allele origin: germline. Observed: 3 variant alleles. Not counted in ClinVar's aggregate classification.
Comment: BS1, BP4, BP6, BP7

Illumina Laboratory Services, Illumina
Classification: Benign for Glanzmann thrombasthenia 1. Last evaluated: 2018-01-12. Review status: criteria provided, single submitter. Criteria: ICSL Variant Classification Criteria 13 December 2019. Collection method: clinical testing. Allele origin: germline. Not counted in ClinVar's aggregate classification.
Comment: This variant was observed in the ICSL laboratory as part of a predisposition screen in an ostensibly healthy population. It had not been previously curated by ICSL or reported in the Human Gene Mutation Database (HGMD: prior to June 1st, 2018), and was therefore a candidate for classification through an automated scoring system. Utilizing variant allele frequency, disease prevalence and penetrance estimates, and inheritance mode, an automated score was calculated to assess if this variant is too frequent to cause the disease. Based on the score and internal cut-off values, a variant classified as benign is not then subjected to further curation. The score for this variant resulted in a classification of benign for this disease.

PreventionGenetics, part of Exact Sciences
Classification: Benign for ITGA2B-related condition. Last evaluated: 2019-03-01. Review status: no assertion criteria provided. Collection method: clinical testing. Allele origin: germline. Not counted in ClinVar's aggregate classification.
Comment: This variant is classified as benign based on ACMG/AMP sequence variant interpretation guidelines (Richards et al. 2015 PMID: 25741868, with internal and published modifications).

Literature cited by the submitters: PubMed 33496739 (cited by Mayo Clinic Laboratories, Mayo Clinic).

NM_000419.5(ITGA2B):c.2127G>A (p.Lys709=)

Gene: ITGA2B (integrin subunit alpha 2b; minus strand). Cytogenetic location: 17q21.31.
Variant type: single nucleotide variant.
Coding change: c.2127G>A on transcript NM_000419.5 (MANE Select); coding-DNA position 2127, G replaced by A.
Protein change: p.Lys709=; no amino-acid change (lysine 709 retained).
Molecular consequence: synonymous variant.
Genome position (GRCh38, 1-based): chr17:44,377,758, C>T on the plus strand (G>A on the coding strand, the complement: ITGA2B is on the minus strand). VCF-style: chr17-44377758-C-T. GRCh37 (hg19) VCF-style: chr17-42455126-C-T.
Other names: c.2127G>A (LRG_479t1, NM_000419.4).
Identifiers: ClinVar variation 323547 (VCV000323547.19), dbSNP rs114232872, ClinGen allele CA8602814.
Genomic context (GRCh38, chr17:44,377,758, plus strand): 5'-CTGGGCGTTCTTCTTCATGGGGTTGCCCAGCTCACACAGCACCACCCTGGTCTCATTCTC[C>T]TTCTTCTGATTACAGATGAGTCTCTCAAAGCCCTTCAGGAAGGCAGTTCCAAGAAAGAAA-3'
Protein context (NP_000410.2, residues 699-719): GFERLICNQK[Lys709=]ENETRVVLCE